The following is an entry in ClinVar:

ClinVar aggregate classification (germline): Uncertain significance. Review status: criteria provided, multiple submitters, no conflicts (2 of 4 stars). 5 submissions from 5 submitters: Uncertain significance (5). Last evaluated 2024-04-02.

Conditions:
Cardiovascular phenotype. Identifiers: MedGen CN230736.
Autosomal recessive limb-girdle muscular dystrophy type 2J (LGMDR10). Also called: Limb-girdle muscular dystrophy, type 2J; MUSCULAR DYSTROPHY, LIMB-GIRDLE, AUTOSOMAL RECESSIVE 10. Identifiers: Orphanet 140922, MedGen C1837342, MONDO:0012127, OMIM 608807.
Dilated cardiomyopathy 1G (CMD1G). Identifiers: Orphanet 154, MedGen C1858763, MONDO:0011400, OMIM 604145.
Myopathy, myofibrillar, 9, with early respiratory failure (MFM9). Also called: EDSTROM MYOPATHY; MYOPATHY, PROXIMAL, WITH EARLY RESPIRATORY MUSCLE INVOLVEMENT; Hereditary myopathy with early respiratory failure; Myopathy, distal, with early respiratory failure, autosomal dominant. Identifiers: Orphanet 178464, Orphanet 34521, MedGen C1863599, MONDO:0011362, OMIM 603689.
Hypertrophic cardiomyopathy 9. Also called: Familial hypertrophic cardiomyopathy 9. Identifiers: MedGen C1861065, MONDO:0013412, OMIM 613765.
Early-onset myopathy with fatal cardiomyopathy (CMYO5). Also called: Salih Myopathy; CONGENITAL MYOPATHY 5 WITH CARDIOMYOPATHY. Identifiers: Orphanet 289377, MedGen C2673677, MONDO:0012714, OMIM 611705. Disease mechanism: loss of function.
Tibial muscular dystrophy (TMD). Also called: UDD MYOPATHY; Tibial muscular dystrophy, tardive; Udd Distal Myopathy – Tibial Muscular Dystrophy. Identifiers: Orphanet 609, MedGen C1838244, MONDO:0010870, OMIM 600334.

Allele frequency attached by ClinVar (database versions not stated): gnomAD exomes below 0.00001 and 0.00001; gnomAD 0.00001; TOPMed 0.00001; ExAC 0.00002; ESP Exome Variant Server 0.00015.
gnomAD v4.1: 6 of 1,613,648 alleles (0.00037%); highest among the groups gnomAD compares: Non-Finnish European, 0.00051%; no homozygotes.

Submissions (5):

GeneDx
Classification: Uncertain significance. Last evaluated: 2024-04-02. Review status: criteria provided, single submitter. Criteria: GeneDx Variant Classification Process June 2021. Collection method: clinical testing. Allele origin: germline. Affected: yes.
Comment: Not observed at significant frequency in large population cohorts (gnomAD); Missense variant in a gene in which most reported pathogenic variants are truncating/loss of function; Has not been previously published as pathogenic or benign to our knowledge

Fulgent Genetics
Classification: Uncertain significance for Tibial muscular dystrophy; Myopathy, myofibrillar, 9, with early respiratory failure; Dilated cardiomyopathy 1G; Autosomal recessive limb-girdle muscular dystrophy type 2J; Early-onset myopathy with fatal cardiomyopathy; Hypertrophic cardiomyopathy 9. Last evaluated: 2021-07-01. Review status: criteria provided, single submitter. Criteria: ACMG Guidelines, 2015. Collection method: clinical testing. Allele origin: unknown.

Ambry Genetics
Classification: Uncertain significance for Cardiovascular phenotype. Last evaluated: 2020-05-06. Review status: criteria provided, single submitter. Criteria: Ambry Variant Classification Scheme 2023. Collection method: clinical testing. Allele origin: germline.
Comment: The p.Y1621C variant (also known as c.4862A>G), located in coding exon 26 of the TTN gene, results from an A to G substitution at nucleotide position 4862. The tyrosine at codon 1621 is replaced by cysteine, an amino acid with highly dissimilar properties. This amino acid position is highly conserved in available vertebrate species. In addition, this alteration is predicted to be deleterious by in silico analysis. Since supporting evidence is limited at this time, the clinical significance of this alteration remains unclear.

Eurofins Ntd Llc (ga)
Classification: Uncertain significance. Last evaluated: 2017-09-06. Review status: criteria provided, single submitter. Criteria: EGL Classification Definitions 2015. Collection method: clinical testing. Allele origin: germline. Observed: 1 variant allele, 1 heterozygote.

Labcorp Genetics (formerly Invitae), Labcorp
Classification: Uncertain significance for Dilated cardiomyopathy 1G; Autosomal recessive limb-girdle muscular dystrophy type 2J. Last evaluated: 2017-06-27. Review status: criteria provided, single submitter. Criteria: Invitae Variant Classification Sherloc (09022015). Collection method: clinical testing. Allele origin: germline.

NM_001267550.2(TTN):c.5000A>G (p.Tyr1667Cys)

Gene: TTN (titin; minus strand). Cytogenetic location: 2q31.2.
Variant type: single nucleotide variant.
Coding change: c.5000A>G on transcript NM_001267550.2 (MANE Select); coding-DNA position 5000, A replaced by G.
Protein change: p.Tyr1667Cys; replaces tyrosine 1667 with cysteine.
Molecular consequence: missense variant.
Genome position (GRCh38, 1-based): chr2:178,776,864, T>C on the plus strand (A>G on the coding strand, the complement: TTN is on the minus strand). VCF-style: chr2-178776864-T-C. GRCh37 (hg19) VCF-style: chr2-179641591-T-C.
Other names: c.5000A>G (NM_001267550.1); c.5000A>G, p.Tyr1667Cys (NM_001256850.1, NM_133378.4, NM_133379.5); c.4862A>G, p.Tyr1621Cys (NM_003319.4, NM_133432.3, NM_133437.4); short protein forms Y1667C, Y1621C.
Identifiers: ClinVar variation 467220 (VCV000467220.11), dbSNP rs140494897, ClinGen allele CA2005233.